The following is an entry in ClinVar:

ClinVar aggregate classification (germline): Likely benign. Review status: criteria provided, multiple submitters, no conflicts (2 of 4 stars). 4 submissions from 4 submitters: Likely benign (3). 1 of the submissions does not count toward it. Last evaluated 2025-11-07.

Conditions:
RTTN-related disorder. Also called: RTTN-related condition.

Allele frequency attached by ClinVar (database versions not stated): ExAC 0.00019; gnomAD exomes 0.00024 and 0.00061; gnomAD 0.00027 and 0.00029; TOPMed 0.00031; ESP Exome Variant Server 0.00065.
gnomAD v4.1: 930 of 1,613,436 alleles (0.058%); highest among the groups gnomAD compares: Non-Finnish European, 0.074%; no homozygotes.

Submissions (4):

Labcorp Genetics (formerly Invitae), Labcorp
Classification: Likely benign. Last evaluated: 2025-11-07. Review status: criteria provided, single submitter. Criteria: Invitae Variant Classification Sherloc (09022015). Collection method: clinical testing. Allele origin: germline.

CeGaT Center for Human Genetics Tuebingen
Classification: Likely benign. Last evaluated: 2025-06-01. Review status: criteria provided, single submitter. Criteria: CeGaT Center For Human Genetics Tuebingen Variant Classification Criteria Version 2. Collection method: clinical testing. Allele origin: germline. Affected: yes. Observed: 3 variant alleles.
Comment: RTTN: BP4, BP7

Blueprint Genetics
Classification: Likely benign. Last evaluated: 2024-09-18. Review status: criteria provided, single submitter. Criteria: ACMG Guidelines, 2015. Collection method: clinical testing. Allele origin: germline.

PreventionGenetics, part of Exact Sciences
Classification: Likely benign for RTTN-related condition. Last evaluated: 2019-06-24. Review status: no assertion criteria provided. Collection method: clinical testing. Allele origin: germline. Not counted in ClinVar's aggregate classification.
Comment: This variant is classified as likely benign based on ACMG/AMP sequence variant interpretation guidelines (Richards et al. 2015 PMID: 25741868, with internal and published modifications).

NM_173630.4(RTTN):c.2118A>G (p.Ala706=)

Gene: RTTN (rotatin; minus strand). Cytogenetic location: 18q22.2.
Variant type: single nucleotide variant.
Coding change: c.2118A>G on transcript NM_173630.4 (MANE Select); coding-DNA position 2118, A replaced by G.
Protein change: p.Ala706=; no amino-acid change (alanine 706 retained).
Molecular consequence: synonymous variant. On other transcripts: 5 prime UTR variant (1).
Genome position (GRCh38, 1-based): chr18:70,150,025, T>C on the plus strand (A>G on the coding strand, the complement: RTTN is on the minus strand). VCF-style: chr18-70150025-T-C. GRCh37 (hg19) VCF-style: chr18-67817261-T-C.
Other names: c.-530A>G (NM_001318520.2).
Identifiers: ClinVar variation 722596 (VCV000722596.25), dbSNP rs199840279, ClinGen allele CA8995981.